The following is an entry in ClinVar:

ClinVar aggregate classification (germline): Conflicting classifications of pathogenicity. Review status: criteria provided, conflicting classifications (1 of 4 stars). 2 submissions from 2 submitters: Uncertain significance (1); Likely benign (1). Last evaluated 2023-10-31.

Conditions:
Hereditary cancer-predisposing syndrome. Also called: Hereditary neoplastic syndrome; Tumor predisposition; Hereditary Cancer Syndrome; Neoplastic Syndromes, Hereditary. Identifiers: Orphanet 140162, MedGen C0027672, MeSH D009386, MONDO:0015356.

Submissions (2):

GeneDx
Classification: Uncertain significance. Last evaluated: 2023-10-31. Review status: criteria provided, single submitter. Criteria: GeneDx Variant Classification Process June 2021. Collection method: clinical testing. Allele origin: germline. Affected: yes.
Comment: Not observed at significant frequency in large population cohorts (gnomAD); In silico analysis supports that this missense variant does not alter protein structure/function; Has not been previously published as pathogenic or benign to our knowledge

Ambry Genetics
Classification: Likely benign for Hereditary cancer-predisposing syndrome. Last evaluated: 2023-07-06. Review status: criteria provided, single submitter. Criteria: Ambry Variant Classification Scheme 2023. Collection method: clinical testing. Allele origin: germline.

NM_000136.3(FANCC):c.1612A>G (p.Ile538Val)

Genes: AOPEP (aminopeptidase O (putative); plus strand), FANCC (FA complementation group C; minus strand). Cytogenetic location: 9q22.32.
Variant type: single nucleotide variant.
Coding change: c.1612A>G on transcript NM_000136.3 (MANE Select); coding-DNA position 1612, A replaced by G.
Protein change: p.Ile538Val; replaces isoleucine 538 with valine.
Molecular consequence: missense variant.
Genome position (GRCh38, 1-based): chr9:95,101,772, T>C on the plus strand (A>G on the coding strand, the complement: FANCC is on the minus strand). VCF-style: chr9-95101772-T-C. GRCh37 (hg19) VCF-style: chr9-97864054-T-C.
Other names: c.1612A>G, p.Ile538Val (NM_001243743.2); short protein forms I538V.
Identifiers: ClinVar variation 2585975 (VCV002585975.3), dbSNP rs2540749877, ClinGen allele CA374104474.